The following is an entry in ClinVar:

NM_007294.4(BRCA1):c.3815_3816insT (p.Gln1273fs)

Genes: BRCA1 (BRCA1 DNA repair associated; minus strand), LOC126862571 (BRD4-independent group 4 enhancer GRCh37_chr17:41243136-41244335; plus strand). Cytogenetic location: 17q21.31.
Variant type: Insertion.
Coding change: c.3815_3816insT on transcript NM_007294.4 (MANE Select); coding-DNA positions 3815 to 3816, T inserted.
Protein change: p.Gln1273fs; shifts the reading frame from glutamine 1273.
Molecular consequence: frameshift variant. On other transcripts: intron variant (135).
Genome position: GRCh38 VCF-style: chr17-43091715-G-GA. GRCh37 (hg19) VCF-style: chr17-41243732-G-GA.
Other names: c.3692_3693insT, p.Gln1232fs (NM_001407681.1, NM_001407682.1, NM_001407683.1 and 19 more transcripts); c.3815_3816insT, p.Gln1273fs (NM_001407684.1, NM_001407854.1, NM_001407858.1 and 30 more transcripts); c.3689_3690insT, p.Gln1231fs (NM_001407685.1, NM_001407686.1, NM_001407687.1 and 11 more transcripts); c.3674_3675insT, p.Gln1226fs (NM_001407692.1, NM_001407694.1, NM_001407695.1 and 29 more transcripts); c.3671_3672insT, p.Gln1225fs (NM_001407740.1, NM_001407741.1, NM_001407742.1 and 20 more transcripts); c.3602_3603insT, p.Gln1202fs (NM_001407853.1, NM_001407894.1, NM_001407895.1 and 9 more transcripts); c.3812_3813insT, p.Gln1272fs (NM_001407860.1, NM_001407861.1, NM_001407587.1 and 22 more transcripts); c.3614_3615insT, p.Gln1206fs (NM_001407862.1); and 41 more; short protein forms Q1226fs, Q1273fs, Q1145fs, Q1162fs, Q1185fs, Q1246fs, Q1247fs, Q1270fs.
Identifiers: ClinVar variation 548165 (VCV000548165.2), dbSNP rs1555587013, ClinGen allele CA658823933.

ClinVar aggregate classification (germline): Pathogenic (3 of 4 stars; one submission).

Conditions:
Breast-ovarian cancer, familial, susceptibility to, 1 (BROVCA1). Also called: BRCA1 Hereditary Breast and Ovarian Cancer; OVARIAN CANCER, SUSCEPTIBILITY TO. Identifiers: Orphanet 145, MedGen C2676676, MONDO:0011450, OMIM 604370. Disease mechanism: loss of function.

Submission:

Evidence-based Network for the Interpretation of Germline Mutant Alleles (ENIGMA)
Classification: Pathogenic for Breast-ovarian cancer, familial, susceptibility to, 1. Last evaluated: 2017-12-15. Review status: reviewed by expert panel. Criteria: ENIGMA BRCA1/2 Classification Criteria (2017-06-29). Collection method: curation. Allele origin: germline. Study: ENIGMA.
Comment: Variant allele predicted to encode a truncated non-functional protein.